The following is an entry in ClinVar:

ClinVar aggregate classification (germline): Pathogenic/Likely pathogenic. Review status: criteria provided, multiple submitters, no conflicts (2 of 4 stars). 8 submissions from 8 submitters: Pathogenic (4); Likely pathogenic (3). 1 of the submissions does not count toward it. Last evaluated 2025-10-02.

Conditions:
Ataxia-telangiectasia syndrome (AT). Also called: Ataxia-telangiectasia, complementation group D; AT, COMPLEMENTATION GROUP C; Ataxia-telangiectasia, complementation group E; LOUIS-BAR SYNDROME; Cerebello-oculocutaneous telangiectasia; Immunodeficiency with ataxia telangiectasia. Identifiers: Orphanet 100, MedGen C0004135, MONDO:0008840, OMIM 208900.
Familial cancer of breast. Also called: hereditary breast carcinoma; BREAST CANCER, FAMILIAL; Hereditary breast cancer. Identifiers: Orphanet 227535, MedGen C0346153, MONDO:0016419, OMIM 114480. Disease mechanism: loss of function.
Hereditary cancer-predisposing syndrome. Also called: Hereditary Cancer Syndrome; Hereditary neoplastic syndrome; Neoplastic Syndromes, Hereditary; Tumor predisposition. Identifiers: Orphanet 140162, MedGen C0027672, MeSH D009386, MONDO:0015356.
Malignant tumor of breast. Also called: Malignant breast neoplasm; Cancer breast. Identifiers: MedGen C0006142, MONDO:0007254. Disease mechanism: loss of function.

Submissions (8):

Labcorp Genetics (formerly Invitae), Labcorp
Classification: Pathogenic for Ataxia-telangiectasia syndrome. Last evaluated: 2025-10-02. Review status: criteria provided, single submitter. Criteria: Invitae Variant Classification Sherloc (09022015). Collection method: clinical testing. Allele origin: germline.
Comment: This sequence change creates a premature translational stop signal (p.Ser1383*) in the ATM gene. It is expected to result in an absent or disrupted protein product. Loss-of-function variants in ATM are known to be pathogenic (PMID: 23807571, 25614872). This variant is not present in population databases (gnomAD no frequency). This variant has not been reported in the literature in individuals affected with ATM-related conditions. ClinVar contains an entry for this variant (Variation ID: 553301). Algorithms developed to predict the effect of sequence changes on RNA splicing suggest that this variant may disrupt the consensus splice site. For these reasons, this variant has been classified as Pathogenic.

Ambry Genetics
Classification: Pathogenic for Hereditary cancer-predisposing syndrome. Last evaluated: 2025-03-24. Review status: criteria provided, single submitter. Criteria: Ambry Variant Classification Scheme 2023. Collection method: clinical testing. Allele origin: germline.
Comment: The p.S1383* pathogenic mutation (also known as c.4148C>A), located in coding exon 27 of the ATM gene, results from a C to A substitution at nucleotide position 4148. This changes the amino acid from a serine to a stop codon within coding exon 27. This variant is considered to be rare based on population cohorts in the Genome Aggregation Database (gnomAD). This alteration is expected to result in loss of function by premature protein truncation or nonsense-mediated mRNA decay. As such, this alteration is interpreted as a disease-causing mutation.

Women's Health and Genetics/Laboratory Corporation of America, LabCorp
Classification: Pathogenic for Malignant tumor of breast. Last evaluated: 2025-03-21. Review status: criteria provided, single submitter. Criteria: LabCorp Variant Classification Summary - May 2015. Collection method: clinical testing. Allele origin: germline.
Comment: Variant summary: ATM c.4148C>A (p.Ser1383X) results in a premature termination codon, predicted to cause a truncation of the encoded protein or absence of the protein due to nonsense mediated decay, which are commonly known mechanisms for disease. The variant was absent in 251290 control chromosomes. c.4148C>A has been reported in the literature in at-least one individual affected with Acute myeloid leukaemia (example: Guijarro_2023). The following publication has been ascertained in the context of this evaluation (PMID: 37450374). ClinVar contains an entry for this variant (Variation ID: 553301). Based on the evidence outlined above, the variant was classified as pathogenic.

Center for Genomic Medicine, Rigshospitalet, Copenhagen University Hospital
Classification: Likely pathogenic. Last evaluated: 2025-03-04. Review status: criteria provided, single submitter. Criteria: ACMG Guidelines, 2015. Collection method: clinical testing. Allele origin: germline.

Fulgent Genetics
Classification: Likely pathogenic for Familial cancer of breast; Ataxia-telangiectasia syndrome. Last evaluated: 2024-05-23. Review status: criteria provided, single submitter. Criteria: ACMG Guidelines, 2015. Collection method: clinical testing. Allele origin: germline.

Baylor Genetics
Classification: Likely pathogenic for Familial cancer of breast. Last evaluated: 2024-03-11. Review status: criteria provided, single submitter. Criteria: ACMG Guidelines, 2015. Collection method: clinical testing. Allele origin: unknown.

Myriad Genetics, Inc.
Classification: Pathogenic for Familial cancer of breast. Last evaluated: 2024-01-23. Review status: criteria provided, single submitter. Criteria: Myriad Autosomal Dominant, Autosomal Recessive and X-Linked Classification Criteria (2023). Collection method: clinical testing. Allele origin: unknown.
Comment: This variant is considered pathogenic. This variant creates a termination codon and is predicted to result in premature protein truncation.

Counsyl
Classification: Likely pathogenic for Ataxia-telangiectasia syndrome. Last evaluated: 2017-08-15. Review status: no assertion criteria provided. Collection method: clinical testing. Allele origin: unknown. Not counted in ClinVar's aggregate classification.

Literature cited by the submitters: PubMed 23807571 (cited by Labcorp Genetics (formerly Invitae), Labcorp); PubMed 25614872 (cited by Labcorp Genetics (formerly Invitae), Labcorp); PubMed 10767628 (cited by Ambry Genetics); PubMed 37450374 (cited by Women's Health and Genetics/Laboratory Corporation of America, LabCorp).

NM_000051.4(ATM):c.4148C>A (p.Ser1383Ter)

Gene: ATM (ATM serine/threonine kinase; plus strand). Cytogenetic location: 11q22.3.
Variant type: single nucleotide variant.
Coding change: c.4148C>A on transcript NM_000051.4 (MANE Select); coding-DNA position 4148, C replaced by A.
Protein change: p.Ser1383Ter; replaces serine 1383 with a stop codon.
Molecular consequence: nonsense.
Genome position (GRCh38, 1-based): chr11:108,289,015, C>A. VCF-style: chr11-108289015-C-A. GRCh37 (hg19) VCF-style: chr11-108159742-C-A.
Other names: c.4148C>A, p.Ser1383Ter (NM_001351834.2); short protein forms S1383*.
Identifiers: ClinVar variation 553301 (VCV000553301.19), dbSNP rs141087784, ClinGen allele CA382529972.